The following is an entry in ClinVar:

NM_000257.4(MYH7):c.545C>A (p.Ala182Glu)

Gene: MYH7 (myosin heavy chain 7; minus strand). Cytogenetic location: 14q11.2.
Variant type: single nucleotide variant.
Coding change: c.545C>A on transcript NM_000257.4 (MANE Select); coding-DNA position 545, C replaced by A.
Protein change: p.Ala182Glu; replaces alanine 182 with glutamic acid.
Molecular consequence: missense variant.
Genome position (GRCh38, 1-based): chr14:23,431,855, G>T on the plus strand (C>A on the coding strand, the complement: MYH7 is on the minus strand). VCF-style: chr14-23431855-G-T. GRCh37 (hg19) VCF-style: chr14-23901064-G-T.
Other names: c.545C>A, p.Ala182Glu (NM_001407004.1); short protein forms A182E.
Identifiers: ClinVar variation 3636060 (VCV003636060.3).

ClinVar aggregate classification (germline): Uncertain significance. Review status: criteria provided, multiple submitters, no conflicts (2 of 4 stars). 2 submissions from 2 submitters: Uncertain significance (2). Last evaluated 2025-09-23.

Conditions:
Cardiovascular phenotype. Identifiers: MedGen CN230736.
Hypertrophic cardiomyopathy. Also called: HYPERTROPHIC MYOCARDIOPATHY. Identifiers: Orphanet 217569, MedGen C0007194, MeSH D002312, MONDO:0005045, HP:0001639.

Submissions (2):

Ambry Genetics
Classification: Uncertain significance for Cardiovascular phenotype. Last evaluated: 2025-09-23. Review status: criteria provided, single submitter. Criteria: Ambry Variant Classification Scheme 2023. Collection method: clinical testing. Allele origin: germline.
Comment: The p.A182E variant (also known as c.545C>A), located in coding exon 5 of the MYH7 gene, results from a C to A substitution at nucleotide position 545. The alanine at codon 182 is replaced by glutamic acid, an amino acid with dissimilar properties. This alteration is located in the myosin head domain, which contains a statistically significant clustering of pathogenic missense variants (Homburger JR et al. Proc Natl Acad Sci U S A, 2016 06;113:6701-6; Walsh R et al. Genet Med, 2017 02;19:192-203; Ambry internal data). This variant was reported in individual(s) with features that may be consistent with MYH7-related cardiomyopathy (Fu F et al. Genome Med, 2022 Oct;14:123; Ambry internal data). This amino acid position is highly conserved in available vertebrate species. In addition, this alteration is predicted to be deleterious by in silico analysis. Based on the available evidence, the clinical significance of this variant remains unclear.

Labcorp Genetics (formerly Invitae), Labcorp
Classification: Uncertain significance for Hypertrophic cardiomyopathy. Last evaluated: 2024-11-19. Review status: criteria provided, single submitter. Criteria: Invitae Variant Classification Sherloc (09022015). Collection method: clinical testing. Allele origin: germline.
Comment: This sequence change replaces alanine, which is neutral and non-polar, with glutamic acid, which is acidic and polar, at codon 182 of the MYH7 protein (p.Ala182Glu). This variant is not present in population databases (gnomAD no frequency). This missense change has been observed in individual(s) with MYH7-related conditions (PMID: 36307859). Invitae Evidence Modeling of protein sequence and biophysical properties (such as structural, functional, and spatial information, amino acid conservation, physicochemical variation, residue mobility, and thermodynamic stability) indicates that this missense variant is expected to disrupt MYH7 protein function with a positive predictive value of 95%. In summary, the available evidence is currently insufficient to determine the role of this variant in disease. Therefore, it has been classified as a Variant of Uncertain Significance.

Literature cited by the submitters: PubMed 36307859 (cited by Ambry Genetics and Labcorp Genetics (formerly Invitae), Labcorp).